The following is an entry in ClinVar:

ClinVar aggregate classification (germline): Uncertain significance (1 of 4 stars; one submission).

Allele frequency attached by ClinVar (database versions not stated): gnomAD exomes below 0.00001; TOPMed below 0.00001; ESP Exome Variant Server 0.00008.
gnomAD v4.1: 4 of 1,608,612 alleles (0.00025%); highest among the groups gnomAD compares: Non-Finnish European, 0.00034%; no homozygotes.

Submission:

Labcorp Genetics (formerly Invitae), Labcorp
Classification: Uncertain significance. Last evaluated: 2021-07-02. Review status: criteria provided, single submitter. Criteria: Invitae Variant Classification Sherloc (09022015). Collection method: clinical testing. Allele origin: germline.
Comment: This sequence change replaces arginine with lysine at codon 278 of the CCDC8 protein (p.Arg278Lys). The arginine residue is highly conserved and there is a small physicochemical difference between arginine and lysine. In summary, the available evidence is currently insufficient to determine the role of this variant in disease. Therefore, it has been classified as a Variant of Uncertain Significance. Algorithms developed to predict the effect of missense changes on protein structure and function are either unavailable or do not agree on the potential impact of this missense change (SIFT: "Deleterious"; PolyPhen-2: "Benign"; Align-GVGD: "Class C0"). This variant has not been reported in the literature in individuals affected with CCDC8-related conditions. This variant is not present in population databases (ExAC no frequency).

NM_032040.5(CCDC8):c.833G>A (p.Arg278Lys)

Gene: CCDC8 (coiled-coil domain containing 8 subunit of 3M complex; minus strand). Cytogenetic location: 19q13.32.
Variant type: single nucleotide variant.
Coding change: c.833G>A on transcript NM_032040.5 (MANE Select); coding-DNA position 833, G replaced by A.
Protein change: p.Arg278Lys; replaces arginine 278 with lysine.
Molecular consequence: missense variant.
Genome position (GRCh38, 1-based): chr19:46,411,978, C>T on the plus strand (G>A on the coding strand, the complement: CCDC8 is on the minus strand). VCF-style: chr19-46411978-C-T. GRCh37 (hg19) VCF-style: chr19-46915235-C-T.
Other names: short protein forms R278K.
Identifiers: ClinVar variation 1418208 (VCV001418208.8), dbSNP rs369173769, ClinGen allele CA309063730.